The following is an entry in ClinVar:

ClinVar aggregate classification (germline): Uncertain significance. Review status: criteria provided, multiple submitters, no conflicts (2 of 4 stars). 2 submissions from 2 submitters: Uncertain significance (2). Last evaluated 2025-10-13.

Conditions:
Hypertrophic cardiomyopathy 14. Identifiers: MedGen C2750467, MONDO:0013197, OMIM 613251.

Allele frequency attached by ClinVar (database versions not stated): ExAC 0.00001; gnomAD exomes 0.00001 and 0.00002; TOPMed 0.00001; gnomAD 0.00003.
gnomAD v4.1: 42 of 1,607,088 alleles (0.0026%); highest among the groups gnomAD compares: Admixed American, 0.0067%; no homozygotes.

Submissions (2):

GeneDx
Classification: Uncertain significance. Last evaluated: 2025-10-13. Review status: criteria provided, single submitter. Criteria: GeneDx Variant Classification Process June 2021. Collection method: clinical testing. Allele origin: germline. Affected: yes.
Comment: Not observed at significant frequency in large population cohorts (gnomAD); In silico analysis supports that this missense variant has a deleterious effect on protein structure/function; Has not been previously published as pathogenic or benign to our knowledge

Labcorp Genetics (formerly Invitae), Labcorp
Classification: Uncertain significance for Hypertrophic cardiomyopathy 14. Last evaluated: 2024-11-26. Review status: criteria provided, single submitter. Criteria: Invitae Variant Classification Sherloc (09022015). Collection method: clinical testing. Allele origin: germline.
Comment: This sequence change replaces glycine, which is neutral and non-polar, with arginine, which is basic and polar, at codon 1157 of the MYH6 protein (p.Gly1157Arg). This variant is present in population databases (rs755974106, gnomAD 0.003%). This variant has not been reported in the literature in individuals affected with MYH6-related conditions. ClinVar contains an entry for this variant (Variation ID: 392010). Invitae Evidence Modeling of protein sequence and biophysical properties (such as structural, functional, and spatial information, amino acid conservation, physicochemical variation, residue mobility, and thermodynamic stability) has been performed for this missense variant. However, the output from this modeling did not meet the statistical confidence thresholds required to predict the impact of this variant on MYH6 protein function. In summary, the available evidence is currently insufficient to determine the role of this variant in disease. Therefore, it has been classified as a Variant of Uncertain Significance.

NM_002471.4(MYH6):c.3469G>A (p.Gly1157Arg)

Gene: MYH6 (myosin heavy chain 6; minus strand). Cytogenetic location: 14q11.2.
Variant type: single nucleotide variant.
Coding change: c.3469G>A on transcript NM_002471.4 (MANE Select); coding-DNA position 3469, G replaced by A.
Protein change: p.Gly1157Arg; replaces glycine 1157 with arginine.
Molecular consequence: missense variant.
Genome position (GRCh38, 1-based): chr14:23,390,320, C>T on the plus strand (G>A on the coding strand, the complement: MYH6 is on the minus strand). VCF-style: chr14-23390320-C-T. GRCh37 (hg19) VCF-style: chr14-23859529-C-T.
Other names: short protein forms G1157R.
Identifiers: ClinVar variation 392010 (VCV000392010.13), dbSNP rs755974106, ClinGen allele CA7115170.